The following is an entry in ClinVar:

ClinVar aggregate classification (germline): Conflicting classifications of pathogenicity. Review status: criteria provided, conflicting classifications (1 of 4 stars). 5 submissions from 5 submitters: Uncertain significance (1); Likely benign (4). Last evaluated 2024-10-24.

Conditions:
Spinocerebellar ataxia type 11 (SCA11). Identifiers: Orphanet 98767, MedGen C1858351, MONDO:0011464, OMIM 604432.

Allele frequency attached by ClinVar (database versions not stated): gnomAD 0.00005 and 0.00006; gnomAD exomes 0.00006 and 0.00008; ExAC 0.00008; TOPMed 0.00008; ESP Exome Variant Server 0.00025.
gnomAD v4.1: 129 of 1,614,164 alleles (0.008%); highest among the groups gnomAD compares: Middle Eastern, 0.46%; 1 homozygote.

Submissions (5):

Labcorp Genetics (formerly Invitae), Labcorp
Classification: Uncertain significance. Last evaluated: 2024-10-24. Review status: criteria provided, single submitter. Criteria: Invitae Variant Classification Sherloc (09022015). Collection method: clinical testing. Allele origin: germline.
Comment: This sequence change replaces arginine, which is basic and polar, with histidine, which is basic and polar, at codon 425 of the TTBK2 protein (p.Arg425His). This variant is present in population databases (rs370495535, gnomAD 0.01%). This variant has not been reported in the literature in individuals affected with TTBK2-related conditions. ClinVar contains an entry for this variant (Variation ID: 448746). Invitae Evidence Modeling of protein sequence and biophysical properties (such as structural, functional, and spatial information, amino acid conservation, physicochemical variation, residue mobility, and thermodynamic stability) indicates that this missense variant is not expected to disrupt TTBK2 protein function with a negative predictive value of 80%. In summary, the available evidence is currently insufficient to determine the role of this variant in disease. Therefore, it has been classified as a Variant of Uncertain Significance.

CeGaT Center for Human Genetics Tuebingen
Classification: Likely benign. Last evaluated: 2022-10-01. Review status: criteria provided, single submitter. Criteria: CeGaT Center For Human Genetics Tuebingen Variant Classification Criteria Version 2. Collection method: clinical testing. Allele origin: germline. Affected: yes. Observed: 1 variant allele.
Comment: TTBK2: BP4

Department of Pathology and Laboratory Medicine, Sinai Health System
Classification: Likely benign for Spinocerebellar ataxia type 11. Last evaluated: 2021-11-08. Review status: criteria provided, single submitter. Criteria: ACMG Guidelines, 2015. Collection method: research. Allele origin: germline.

Athena Diagnostics
Classification: Likely benign. Last evaluated: 2021-06-02. Review status: criteria provided, single submitter. Criteria: Athena Diagnostics criteria. Collection method: clinical testing. Allele origin: unknown.

Breakthrough Genomics
Classification: Likely benign. Review status: criteria provided, single submitter. Criteria: ACMG Guidelines, 2015. Collection method: not provided. Allele origin: germline. Inheritance: Autosomal dominant inheritance. Affected: yes.

NM_173500.4(TTBK2):c.1274G>A (p.Arg425His)

Gene: TTBK2 (tau tubulin kinase 2; minus strand). Cytogenetic location: 15q15.2.
Variant type: single nucleotide variant.
Coding change: c.1274G>A on transcript NM_173500.4 (MANE Select); coding-DNA position 1274, G replaced by A.
Protein change: p.Arg425His; replaces arginine 425 with histidine.
Molecular consequence: missense variant.
Genome position (GRCh38, 1-based): chr15:42,777,166, C>T on the plus strand (G>A on the coding strand, the complement: TTBK2 is on the minus strand). VCF-style: chr15-42777166-C-T. GRCh37 (hg19) VCF-style: chr15-43069364-C-T.
Other names: short protein forms R425H.
Identifiers: ClinVar variation 448746 (VCV000448746.33), dbSNP rs370495535, ClinGen allele CA7516922.
Genomic context (GRCh38, chr15:42,777,166, plus strand): 5'-GAACGTAACTTTCGCACCAGTGGAATATCTCTGTCTGGCTGAGTAATCTCTGAGCGGACA[C>T]GAATTGGTGACCCAAGGCTTGGAGCATTGAGAAGACCATTTGCCTGGCCATGGCTGTTCT-3'
Protein context (NP_775771.3, residues 415-435): LNAPSLGSPI[Arg425His]VRSEITQPDR